The following is an entry in ClinVar:

NM_005235.3(ERBB4):c.2487+7G>A

Gene: ERBB4 (erb-b2 receptor tyrosine kinase 4; minus strand). Cytogenetic location: 2q34.
Variant type: single nucleotide variant.
Coding change: c.2487+7G>A on transcript NM_005235.3 (MANE Select); 7 bases into the intron after coding-DNA position 2487, G replaced by A.
Molecular consequence: intron variant.
Genome position (GRCh38, 1-based): chr2:211,561,896, C>T on the plus strand (G>A on the coding strand, the complement: ERBB4 is on the minus strand). VCF-style: chr2-211561896-C-T. GRCh37 (hg19) VCF-style: chr2-212426621-C-T.
Other names: c.2457+7G>A (NM_001439006.1, NM_001439005.1); c.2487+7G>A (NM_001042599.2).
Identifiers: ClinVar variation 2900091 (VCV002900091.5), dbSNP rs746347623, ClinGen allele CA2087739.

ClinVar aggregate classification (germline): Likely benign. Review status: criteria provided, single submitter (1 of 4 stars). 2 submissions from 2 submitters: Likely benign (1). 1 of the submissions does not count toward it. Last evaluated 2024-05-05.

Conditions:
ERBB4-related disorder. Also called: ERBB4-related condition.

Allele frequency attached by ClinVar (database versions not stated): TOPMed 0.00006.
gnomAD v4.1: 84 of 1,612,356 alleles (0.0052%); highest among the groups gnomAD compares: Non-Finnish European, 0.0068%; no homozygotes.

Submissions (2):

Labcorp Genetics (formerly Invitae), Labcorp
Classification: Likely benign. Last evaluated: 2024-05-05. Review status: criteria provided, single submitter. Criteria: Invitae Variant Classification Sherloc (09022015). Collection method: clinical testing. Allele origin: germline.

PreventionGenetics, part of Exact Sciences
Classification: Likely benign for ERBB4-related condition. Last evaluated: 2019-02-21. Review status: no assertion criteria provided. Collection method: clinical testing. Allele origin: germline. Not counted in ClinVar's aggregate classification.
Comment: This variant is classified as likely benign based on ACMG/AMP sequence variant interpretation guidelines (Richards et al. 2015 PMID: 25741868, with internal and published modifications).